The following is an entry in ClinVar:

ClinVar aggregate classification (germline): Likely benign (1 of 4 stars; one submission).

Conditions:
PKD1L1-related disorder. Also called: PKD1L1-related condition.

gnomAD v4.1: 6 of 1,612,908 alleles (0.00037%); highest among the groups gnomAD compares: South Asian, 0.0011%; no homozygotes.

Submission:

PreventionGenetics, part of Exact Sciences
Classification: Likely benign for PKD1L1-related condition. Last evaluated: 2025-12-21. Review status: criteria provided, single submitter. Criteria: ACMG Guidelines, 2015. Collection method: clinical testing. Allele origin: germline.
Comment: This variant is classified as likely benign based on ACMG/AMP sequence variant interpretation guidelines (Richards et al. 2015 PMID: 25741868, with internal and published modifications).

NM_138295.5(PKD1L1):c.2229G>C (p.Pro743=)

Gene: PKD1L1 (polycystin 1 like 1, transient receptor potential channel interacting; minus strand). Cytogenetic location: 7p12.3.
Variant type: single nucleotide variant.
Coding change: c.2229G>C on transcript NM_138295.5 (MANE Select); coding-DNA position 2229, G replaced by C.
Protein change: p.Pro743=; no amino-acid change (proline 743 retained).
Molecular consequence: synonymous variant.
Genome position (GRCh38, 1-based): chr7:47,898,030, C>G on the plus strand (G>C on the coding strand, the complement: PKD1L1 is on the minus strand). VCF-style: chr7-47898030-C-G. GRCh37 (hg19) VCF-style: chr7-47937627-C-G.
Identifiers: ClinVar variation 4985304 (VCV004985304.1).
Genomic context (GRCh38, chr7:47,898,030, plus strand): 5'-GTAAGTCAGCCAGCTGACCTTGGCAAGGGCAGTGTAGTTCCCATACTCCAAGGTGTGGCT[C>G]GGGAGGATGAGGGTCTGTCTGTGAGTGTCCACAGCAGCAGGGAGGGAGACAGGGAGCCCT-3'
Protein context (NP_612152.1, residues 733-753): VDTHRQTLIL[Pro743=]SHTLEYGNYT